The following is an entry in ClinVar:

NM_014391.3(ANKRD1):c.300G>C (p.Arg100Ser)

Gene: ANKRD1 (ankyrin repeat domain 1; minus strand). Cytogenetic location: 10q23.31.
Variant type: single nucleotide variant.
Coding change: c.300G>C on transcript NM_014391.3 (MANE Select); coding-DNA position 300, G replaced by C.
Protein change: p.Arg100Ser; replaces arginine 100 with serine.
Molecular consequence: missense variant.
Genome position (GRCh38, 1-based): chr10:90,919,176, C>G on the plus strand (G>C on the coding strand, the complement: ANKRD1 is on the minus strand). VCF-style: chr10-90919176-C-G. GRCh37 (hg19) VCF-style: chr10-92678933-C-G.
Other names: short protein forms R100S.
Identifiers: ClinVar variation 543936 (VCV000543936.13), dbSNP rs1323094013, ClinGen allele CA377552494.
Genomic context (GRCh38, chr10:90,919,176, plus strand): 5'-AAAAAAAGCCCTTACAATGATTTCAGGTTCTGGTTCCTTTACAACTGGAACTTTAGTTTT[C>G]CTGTATTTTTTCCTTTTCTTCAGTTGAATGATTATTTCAAGGTCTTCTAAATTTTCAAGC-3'
Protein context (NP_055206.2, residues 90-110): IIQLKKRKKY[Arg100Ser]KTKVPVVKEP

ClinVar aggregate classification (germline): Uncertain significance. Review status: criteria provided, multiple submitters, no conflicts (2 of 4 stars). 2 submissions from 2 submitters: Uncertain significance (2). Last evaluated 2024-09-14.

Conditions:
ANKRD1-related dilated cardiomyopathy. Identifiers: MedGen CN119551.
Cardiovascular phenotype. Identifiers: MedGen CN230736.

Allele frequency attached by ClinVar (database versions not stated): gnomAD 0.00001; gnomAD exomes 0.00001 and 0.00006; TOPMed 0.00002.

Submissions (2):

Ambry Genetics
Classification: Uncertain significance for Cardiovascular phenotype. Last evaluated: 2024-09-14. Review status: criteria provided, single submitter. Criteria: Ambry Variant Classification Scheme 2023. Collection method: clinical testing. Allele origin: germline.
Comment: The p.R100S variant (also known as c.300G>C), located in coding exon 3 of the ANKRD1 gene, results from a G to C substitution at nucleotide position 300. The arginine at codon 100 is replaced by serine, an amino acid with dissimilar properties. This amino acid position is not well conserved in available vertebrate species. In addition, this alteration is predicted to be tolerated by in silico analysis. Since supporting evidence is limited at this time, the clinical significance of this alteration remains unclear.

Labcorp Genetics (formerly Invitae), Labcorp
Classification: Uncertain significance for ANKRD1-related dilated cardiomyopathy. Last evaluated: 2024-08-06. Review status: criteria provided, single submitter. Criteria: Invitae Variant Classification Sherloc (09022015). Collection method: clinical testing. Allele origin: germline.
Comment: This sequence change replaces arginine, which is basic and polar, with serine, which is neutral and polar, at codon 100 of the ANKRD1 protein (p.Arg100Ser). This variant is present in population databases (no rsID available, gnomAD 0.002%). This variant has not been reported in the literature in individuals affected with ANKRD1-related conditions. ClinVar contains an entry for this variant (Variation ID: 543936). Advanced modeling of protein sequence and biophysical properties (such as structural, functional, and spatial information, amino acid conservation, physicochemical variation, residue mobility, and thermodynamic stability) performed at Invitae indicates that this missense variant is not expected to disrupt ANKRD1 protein function with a negative predictive value of 80%. In summary, the available evidence is currently insufficient to determine the role of this variant in disease. Therefore, it has been classified as a Variant of Uncertain Significance.